The following is an entry in ClinVar:

NM_000135.4(FANCA):c.3858C>T (p.His1286=)

Genes: ZNF276 (zinc finger protein 276; plus strand), FANCA (FA complementation group A; minus strand). Cytogenetic location: 16q24.3.
Variant type: single nucleotide variant.
Coding change: c.3858C>T on transcript NM_000135.4 (MANE Select); coding-DNA position 3858, C replaced by T.
Protein change: p.His1286=; no amino-acid change (histidine 1286 retained).
Molecular consequence: synonymous variant. On other transcripts: 3 prime UTR variant (2), non-coding transcript variant (4).
Genome position (GRCh38, 1-based): chr16:89,740,070, G>A on the plus strand (C>T on the coding strand, the complement: FANCA is on the minus strand). VCF-style: chr16-89740070-G-A. GRCh37 (hg19) VCF-style: chr16-89806478-G-A.
Other names: c.3858C>T, p.His1286= (NM_001286167.3); c.*1824G>A (NM_001113525.2, NM_152287.4).
Identifiers: ClinVar variation 701241 (VCV000701241.13), dbSNP rs761705192, ClinGen allele CA8250922.

ClinVar aggregate classification (germline): Likely benign. Review status: criteria provided, single submitter (1 of 4 stars). 3 submissions from 3 submitters: Likely benign (1). 2 of the submissions do not count toward it. Last evaluated 2026-02-01.

Conditions:
FANCA-related disorder. Also called: FANCA-related condition.
Fanconi anemia complementation group A (FANCA). Also called: Fanconi anemia, group A; FANCA-Related Fanconi Anemia. Identifiers: Orphanet 84, MedGen C3469521, MONDO:0009215, OMIM 227650.
Fanconi anemia (FA). Also called: Fanconi's anemia. Identifiers: Orphanet 84, MedGen C0015625, MeSH D005199, MONDO:0019391.

Allele frequency attached by ClinVar (database versions not stated): gnomAD 0.00001 and 0.00003; TOPMed 0.00003; ExAC 0.00004; gnomAD exomes 0.00004.
gnomAD v4.1: 165 of 1,614,042 alleles (0.01%); highest among the groups gnomAD compares: Non-Finnish European, 0.013%; no homozygotes.

Submissions (3):

Labcorp Genetics (formerly Invitae), Labcorp
Classification: Likely benign for Fanconi anemia. Last evaluated: 2026-02-01. Review status: criteria provided, single submitter. Criteria: Invitae Variant Classification Sherloc (09022015). Collection method: clinical testing. Allele origin: germline.

Natera, Inc.
Classification: Uncertain significance for Fanconi anemia, group A. Last evaluated: 2020-03-10. Review status: no assertion criteria provided. Collection method: clinical testing. Allele origin: germline. Not counted in ClinVar's aggregate classification.

PreventionGenetics, part of Exact Sciences
Classification: Likely benign for FANCA-related condition. Last evaluated: 2019-07-01. Review status: no assertion criteria provided. Collection method: clinical testing. Allele origin: germline. Not counted in ClinVar's aggregate classification.
Comment: This variant is classified as likely benign based on ACMG/AMP sequence variant interpretation guidelines (Richards et al. 2015 PMID: 25741868, with internal and published modifications).